The following is an entry in ClinVar:

NM_172362.3(KCNH1):c.2600A>G (p.Lys867Arg)

Gene: KCNH1 (potassium voltage-gated channel subfamily H member 1; minus strand). Cytogenetic location: 1q32.2.
Variant type: single nucleotide variant.
Coding change: c.2600A>G on transcript NM_172362.3 (MANE Select); coding-DNA position 2600, A replaced by G.
Protein change: p.Lys867Arg; replaces lysine 867 with arginine.
Molecular consequence: missense variant.
Genome position (GRCh38, 1-based): chr1:210,683,651, T>C on the plus strand (A>G on the coding strand, the complement: KCNH1 is on the minus strand). VCF-style: chr1-210683651-T-C. GRCh37 (hg19) VCF-style: chr1-210856993-T-C.
Other names: c.2519A>G, p.Lys840Arg (NM_002238.4); short protein forms K840R, K867R.
Identifiers: ClinVar variation 4535789 (VCV004535789.1).

ClinVar aggregate classification (germline): Uncertain significance (1 of 4 stars; one submission).

gnomAD v4.1: 1 of 1,614,216 alleles (0.000062%); highest among the groups gnomAD compares: East Asian, 0.0022%; no homozygotes.

Submission:

Women's Health and Genetics/Laboratory Corporation of America, LabCorp
Classification: Uncertain significance. Last evaluated: 2025-09-04. Review status: criteria provided, single submitter. Criteria: LabCorp Variant Classification Summary - May 2015. Collection method: clinical testing. Allele origin: germline.
Comment: Variant summary: KCNH1 c.2600A>G (p.Lys867Arg) results in a conservative amino acid change in the encoded protein sequence. Algorithms developed to predict the effect of missense changes on protein structure and function are either unavailable or do not agree on the potential impact of this missense change. The variant was absent in 251040 control chromosomes (gnomAD). The available data on variant occurrences in the general population are insufficient to allow any conclusion about variant significance. To our knowledge, no occurrence of c.2600A>G in individuals affected with KCNH1-related conditions and no experimental evidence demonstrating its impact on protein function have been reported. No submitters have cited clinical-significance assessments for this variant to ClinVar. Based on the evidence outlined above, the variant was classified as uncertain significance.